The following is an entry in ClinVar:

ClinVar aggregate classification (germline): Conflicting classifications of pathogenicity. Review status: criteria provided, conflicting classifications (1 of 4 stars). 8 submissions from 8 submitters: Uncertain significance (6); Likely benign (1). 1 of the submissions does not count toward it. Last evaluated 2026-03-17.

Conditions:
Arthrogryposis multiplex congenita 6. Identifiers: MedGen C5543431, MONDO:0030281, OMIM 619334.
Nemaline myopathy 2 (NEM2). Also called: Nemaline myopathy 2, autosomal recessive. Identifiers: MedGen C1850569, MONDO:0009725, OMIM 256030.
NEB-related disorder. Also called: NEB-Related Disorders; NEB-related condition.
Inborn genetic diseases. Identifiers: MedGen C0950123, MeSH D030342.

Allele frequency attached by ClinVar (database versions not stated): ExAC 0.00001; gnomAD exomes 0.00001 and 0.00003; TOPMed 0.00008; gnomAD 0.00010.
gnomAD v4.1: 33 of 1,613,708 alleles (0.002%); highest among the groups gnomAD compares: Admixed American, 0.037%; no homozygotes.

Submissions (8):

Ambry Genetics
Classification: Uncertain significance for Inborn genetic diseases. Last evaluated: 2026-03-17. Review status: criteria provided, single submitter. Criteria: Ambry Variant Classification Scheme 2023. Collection method: clinical testing. Allele origin: germline.
Comment: The c.5495T>C (p.I1832T) alteration is located in exon 45 (coding exon 43) of the NEB gene. This alteration results from a T to C substitution at nucleotide position 5495, causing the isoleucine (I) at amino acid position 1832 to be replaced by a threonine (T). Based on data from gnomAD, the C allele has an overall frequency of 0.004% (10/280338) total alleles studied. The highest observed frequency was 0.042% (3/7124) of Other alleles. Based on insufficient or conflicting evidence, the clinical significance of this alteration remains unclear.

Labcorp Genetics (formerly Invitae), Labcorp
Classification: Likely benign for Nemaline myopathy 2. Last evaluated: 2026-01-28. Review status: criteria provided, single submitter. Criteria: Invitae Variant Classification Sherloc (09022015). Collection method: clinical testing. Allele origin: germline.

CeGaT Center for Human Genetics Tuebingen
Classification: Uncertain significance. Last evaluated: 2025-05-01. Review status: criteria provided, single submitter. Criteria: CeGaT Center For Human Genetics Tuebingen Variant Classification Criteria Version 2. Collection method: clinical testing. Allele origin: germline. Affected: yes. Observed: 1 variant allele.
Comment: NEB: PM2

PreventionGenetics, part of Exact Sciences
Classification: Uncertain significance for NEB-related condition. Last evaluated: 2024-10-09. Review status: criteria provided, single submitter. Criteria: ACMG Guidelines, 2015. Collection method: clinical testing. Allele origin: germline.
Comment: The NEB c.5495T>C variant is predicted to result in the amino acid substitution p.Ile1832Thr. To our knowledge, this variant has not been reported in the literature. This variant is reported in 0.0051% of alleles in individuals of East Asian descent in gnomAD. At this time, the clinical significance of this variant is uncertain due to the absence of conclusive functional and genetic evidence.

GeneDx
Classification: Uncertain significance. Last evaluated: 2024-07-09. Review status: criteria provided, single submitter. Criteria: GeneDx Variant Classification Process June 2021. Collection method: clinical testing. Allele origin: germline. Affected: yes.
Comment: Not observed at significant frequency in large population cohorts (gnomAD); In silico analysis indicates that this missense variant does not alter protein structure/function; Has not been previously published as pathogenic or benign to our knowledge

Revvity Omics, Revvity
Classification: Uncertain significance. Last evaluated: 2023-05-02. Review status: criteria provided, single submitter. Criteria: ACMG Guidelines, 2015. Collection method: clinical testing. Allele origin: germline.

Fulgent Genetics
Classification: Uncertain significance for Nemaline myopathy 2; Arthrogryposis multiplex congenita 6. Last evaluated: 2021-09-30. Review status: criteria provided, single submitter. Criteria: ACMG Guidelines, 2015. Collection method: clinical testing. Allele origin: unknown.

Natera, Inc.
Classification: Uncertain significance for Nemaline myopathy type 2. Last evaluated: 2019-11-11. Review status: no assertion criteria provided. Collection method: clinical testing. Allele origin: germline. Not counted in ClinVar's aggregate classification.

NM_001164508.2(NEB):c.5495T>C (p.Ile1832Thr)

Gene: NEB (nebulin; minus strand). Cytogenetic location: 2q23.3.
Variant type: single nucleotide variant.
Coding change: c.5495T>C on transcript NM_001164508.2 (MANE Select); coding-DNA position 5495, T replaced by C.
Protein change: p.Ile1832Thr; replaces isoleucine 1832 with threonine.
Molecular consequence: missense variant.
Genome position (GRCh38, 1-based): chr2:151,663,816, A>G on the plus strand (T>C on the coding strand, the complement: NEB is on the minus strand). VCF-style: chr2-151663816-A-G. GRCh37 (hg19) VCF-style: chr2-152520330-A-G.
Other names: c.5495T>C (NM_004543.4); c.5495T>C, p.Ile1832Thr (NM_001164507.2, NM_001271208.2, NM_004543.5); short protein forms I1832T.
Identifiers: ClinVar variation 574235 (VCV000574235.28), dbSNP rs751494785, ClinGen allele CA1910351.